The following is an entry in ClinVar:

ClinVar aggregate classification (germline): Likely benign. Review status: criteria provided, multiple submitters, no conflicts (2 of 4 stars). 2 submissions from 2 submitters: Likely benign (2). Last evaluated 2023-11-02.

Conditions:
Marfan syndrome (MFS). Also called: MARFAN SYNDROME, TYPE I; Marfan syndrome type 1; Marfan's syndrome; Marfan syndrome, classic; FBN1-Related Marfan Syndrome. Identifiers: Orphanet 284963, Orphanet 558, MedGen C0024796, MONDO:0007947, OMIM 154700.
Familial thoracic aortic aneurysm and aortic dissection (TAAD). Also called: Thoracic aortic aneurysms and dissections. Identifiers: Orphanet 91387, MedGen C4707243, MONDO:0019625.

Allele frequency attached by ClinVar (database versions not stated): gnomAD exomes below 0.00001; ExAC 0.00001.
gnomAD v4.1: 1 of 1,613,880 alleles (0.000062%); highest among the groups gnomAD compares: South Asian, 0.0011%; no homozygotes.

Submissions (2):

All of Us Research Program, National Institutes of Health
Classification: Likely benign for Marfan syndrome. Last evaluated: 2023-11-02. Review status: criteria provided, single submitter. Criteria: ACMG Guidelines, 2015. Collection method: clinical testing. Allele origin: germline. Inheritance: Autosomal dominant inheritance. Observed: 1 variant allele, 1 heterozygote.
Comment: This study involves interpretation of variants in research participants for the purpose of population health screening. Participant phenotype was not available at the time of variant classification. Additional details can be found in publication PMID: 35346344, PMCID: PMC8962531

Labcorp Genetics (formerly Invitae), Labcorp
Classification: Likely benign for Marfan syndrome; Familial thoracic aortic aneurysm and aortic dissection. Last evaluated: 2022-10-31. Review status: criteria provided, single submitter. Criteria: Invitae Variant Classification Sherloc (09022015). Collection method: clinical testing. Allele origin: germline.

NM_000138.5(FBN1):c.1469-10T>C

Gene: FBN1 (fibrillin 1; minus strand). Cytogenetic location: 15q21.1.
Variant type: single nucleotide variant.
Coding change: c.1469-10T>C on transcript NM_000138.5 (MANE Select); 10 bases into the intron before coding-DNA position 1469, T replaced by C.
Molecular consequence: intron variant.
Genome position (GRCh38, 1-based): chr15:48,513,678, A>G on the plus strand (T>C on the coding strand, the complement: FBN1 is on the minus strand). VCF-style: chr15-48513678-A-G. GRCh37 (hg19) VCF-style: chr15-48805875-A-G.
Identifiers: ClinVar variation 2200817 (VCV002200817.5), dbSNP rs751082212, ClinGen allele CA044764.